The following is an entry in ClinVar:

NM_001042646.3(TRAK1):c.1861G>A (p.Glu621Lys)

Gene: TRAK1 (trafficking kinesin protein 1; plus strand). Cytogenetic location: 3p22.1.
Variant type: single nucleotide variant.
Coding change: c.1861G>A on transcript NM_001042646.3 (MANE Select); coding-DNA position 1861, G replaced by A.
Protein change: p.Glu621Lys; replaces glutamic acid 621 with lysine.
Molecular consequence: missense variant. On other transcripts: non-coding transcript variant (1).
Genome position (GRCh38, 1-based): chr3:42,209,883, G>A. VCF-style: chr3-42209883-G-A. GRCh37 (hg19) VCF-style: chr3-42251375-G-A.
Other names: c.1861G>A, p.Glu621Lys (NM_001265608.2, NM_001349246.2, NM_001349247.2); c.1639G>A, p.Glu547Lys (NM_001265609.2, NM_001349248.1, NM_001349249.1); c.1549G>A, p.Glu517Lys (NM_001349245.1); c.1687G>A, p.Glu563Lys (NM_014965.5); short protein forms E563K, E547K, E621K, E517K.
Identifiers: ClinVar variation 1407253 (VCV001407253.7), dbSNP rs148776693, ClinGen allele CA2333643.

ClinVar aggregate classification (germline): Uncertain significance. Review status: criteria provided, multiple submitters, no conflicts (2 of 4 stars). 3 submissions from 3 submitters: Uncertain significance (3). Last evaluated 2024-10-31.

Conditions:
Developmental and epileptic encephalopathy, 68. Also called: EPILEPTIC ENCEPHALOPATHY, EARLY INFANTILE, 68. Identifiers: MedGen C4748688, MONDO:0032598, OMIM 618201.

Allele frequency attached by ClinVar (database versions not stated): TOPMed 0.00008; gnomAD exomes 0.00009 and 0.00015; ExAC 0.00012; ESP Exome Variant Server 0.00015; gnomAD 0.00015 and 0.00016.
gnomAD v4.1: 164 of 1,614,084 alleles (0.01%); highest among the groups gnomAD compares: Non-Finnish European, 0.0097%; no homozygotes.

Submissions (3):

Blueprint Genetics
Classification: Uncertain significance. Last evaluated: 2024-10-31. Review status: criteria provided, single submitter. Criteria: ACMG Guidelines, 2015. Collection method: clinical testing. Allele origin: germline.

Labcorp Genetics (formerly Invitae), Labcorp
Classification: Uncertain significance. Last evaluated: 2023-07-30. Review status: criteria provided, single submitter. Criteria: Invitae Variant Classification Sherloc (09022015). Collection method: clinical testing. Allele origin: germline.
Comment: This variant has not been reported in the literature in individuals affected with TRAK1-related conditions. This variant is present in population databases (rs148776693, gnomAD 0.1%). This sequence change replaces glutamic acid, which is acidic and polar, with lysine, which is basic and polar, at codon 621 of the TRAK1 protein (p.Glu621Lys). ClinVar contains an entry for this variant (Variation ID: 1407253). In summary, the available evidence is currently insufficient to determine the role of this variant in disease. Therefore, it has been classified as a Variant of Uncertain Significance. An algorithm developed to predict the effect of missense changes on protein structure and function (PolyPhen-2) suggests that this variant¬†is likely to be tolerated.

Department of Pathology and Laboratory Medicine, Sinai Health System
Classification: Uncertain significance for Developmental and epileptic encephalopathy, 68. Last evaluated: 2020-07-13. Review status: criteria provided, single submitter. Criteria: ACMG Guidelines, 2015. Collection method: research. Allele origin: germline.